The following is an entry in ClinVar:

NM_001035.3(RYR2):c.5480C>A (p.Thr1827Asn)

Gene: RYR2 (ryanodine receptor 2; plus strand). Cytogenetic location: 1q43.
Variant type: single nucleotide variant.
Coding change: c.5480C>A on transcript NM_001035.3 (MANE Select); coding-DNA position 5480, C replaced by A.
Protein change: p.Thr1827Asn; replaces threonine 1827 with asparagine.
Molecular consequence: missense variant.
Genome position (GRCh38, 1-based): chr1:237,614,608, C>A. VCF-style: chr1-237614608-C-A. GRCh37 (hg19) VCF-style: chr1-237777908-C-A.
Other names: short protein forms T1827N.
Identifiers: ClinVar variation 927024 (VCV000927024.7), dbSNP rs968046365, ClinGen allele CA345405117.
Genomic context (GRCh38, chr1:237,614,608, plus strand): 5'-GGGACCCAGTTGGAGGGACTACTGAATTCCTCTTTGTACCTCTCATCAAGCTTTTCTATA[C>A]CCTGCTGATCATGGGCATCTTTCACAACGAGGACTTGAAGCACATCTTGCAGTTGATTGA-3'
Protein context (NP_001026.2, residues 1817-1837): LFVPLIKLFY[Thr1827Asn]LLIMGIFHNE

ClinVar aggregate classification (germline): Uncertain significance. Review status: criteria provided, multiple submitters, no conflicts (2 of 4 stars). 2 submissions from 2 submitters: Uncertain significance (2). Last evaluated 2022-02-20.

Conditions:
Catecholaminergic polymorphic ventricular tachycardia 1. Also called: VENTRICULAR TACHYCARDIA, CATECHOLAMINERGIC POLYMORPHIC, 1, WITH OR WITHOUT ATRIAL DYSFUNCTION AND/OR DILATED CARDIOMYOPATHY; VENTRICULAR TACHYCARDIA, STRESS-INDUCED POLYMORPHIC 1; RYR2-Related Catecholaminergic Polymorphic Ventricular Tachycardia. Identifiers: Orphanet 3286, MedGen C1631597, MONDO:0011484, OMIM 604772.
Cardiomyopathy (CMYO). Also called: Cardiomyopathies. Identifiers: Orphanet 167848, MedGen C0878544, MONDO:0004994, HP:0001638. Inheritance: Various modes of inheritance.

Submissions (2):

Labcorp Genetics (formerly Invitae), Labcorp
Classification: Uncertain significance for Catecholaminergic polymorphic ventricular tachycardia 1. Last evaluated: 2022-02-20. Review status: criteria provided, single submitter. Criteria: Invitae Variant Classification Sherloc (09022015). Collection method: clinical testing. Allele origin: germline.
Comment: This sequence change replaces threonine, which is neutral and polar, with asparagine, which is neutral and polar, at codon 1827 of the RYR2 protein (p.Thr1827Asn). In summary, the available evidence is currently insufficient to determine the role of this variant in disease. Therefore, it has been classified as a Variant of Uncertain Significance. Advanced modeling of protein sequence and biophysical properties (such as structural, functional, and spatial information, amino acid conservation, physicochemical variation, residue mobility, and thermodynamic stability) performed at Invitae indicates that this missense variant is not expected to disrupt RYR2 protein function. ClinVar contains an entry for this variant (Variation ID: 927024). This variant has not been reported in the literature in individuals affected with RYR2-related conditions. This variant is not present in population databases (gnomAD no frequency).

Color Diagnostics, LLC DBA Color Health
Classification: Uncertain significance for Cardiomyopathy. Last evaluated: 2018-12-19. Review status: criteria provided, single submitter. Criteria: ACMG Guidelines, 2015. Collection method: clinical testing. Allele origin: germline.
Comment: Variant of Uncertain Significance due to insufficient evidence: This missense variant is located in the cytoplasmic domain of the RYR2 protein. Computational prediction tools and conservation analyses suggest that this variant may have deleterious impact on the protein function. Computational splicing tools suggest that this variant may not impact RNA splicing. To our knowledge, functional assays have not been performed for this variant nor has this variant been reported in individuals affected with cardiovascular disorders in the literature. This variant is rare in the general population and has been identified in 0/277264 chromosomes by the Genome Aggregation Database (gnomAD). Available evidence is insufficient to determine the role of this variant in disease conclusively.